The following is an entry in ClinVar:

NM_020975.6(RET):c.1760G>A (p.Arg587Gln)

Gene: RET (ret proto-oncogene; plus strand). Cytogenetic location: 10q11.21.
Variant type: single nucleotide variant.
Coding change: c.1760G>A on transcript NM_020975.6 (MANE Select); coding-DNA position 1760, G replaced by A.
Protein change: p.Arg587Gln; replaces arginine 587 with glutamine.
Molecular consequence: missense variant. On other transcripts: intron variant (2).
Genome position (GRCh38, 1-based): chr10:43,113,556, G>A. VCF-style: chr10-43113556-G-A. GRCh37 (hg19) VCF-style: chr10-43609004-G-A.
Other names: c.1760G>A, p.Arg587Gln (NM_000323.2, NM_001406743.1, NM_001406744.1 and 6 more transcripts); c.998G>A, p.Arg333Gln (NM_001355216.2); c.1631G>A, p.Arg544Gln (NM_001406761.1, NM_001406762.1, NM_001406764.1 and 1 more transcripts); c.1472G>A, p.Arg491Gln (NM_001406766.1, NM_001406767.1, NM_001406770.1); c.1364G>A, p.Arg455Gln (NM_001406769.1, NM_001406772.1); c.1322G>A, p.Arg441Gln (NM_001406771.1, NM_001406773.1); c.1235G>A, p.Arg412Gln (NM_001406774.1); c.1034G>A, p.Arg345Gln (NM_001406775.1, NM_001406776.1, NM_001406777.1 and 1 more transcripts); and 7 more; short protein forms R192Q, R245Q, R333Q, R587Q, R104Q, R544Q, R257Q, R288Q.
Identifiers: ClinVar variation 2568362 (VCV002568362.2), dbSNP rs2132826185, ClinGen allele CA376552377.

ClinVar aggregate classification (germline): Uncertain significance (1 of 4 stars; one submission).

Conditions:
Hereditary cancer-predisposing syndrome. Also called: Hereditary neoplastic syndrome; Hereditary Cancer Syndrome; Neoplastic Syndromes, Hereditary; Tumor predisposition. Identifiers: Orphanet 140162, MedGen C0027672, MeSH D009386, MONDO:0015356.

Submission:

Ambry Genetics
Classification: Uncertain significance for Hereditary cancer-predisposing syndrome. Last evaluated: 2023-05-14. Review status: criteria provided, single submitter. Criteria: Ambry Variant Classification Scheme 2023. Collection method: clinical testing. Allele origin: germline.
Comment: The p.R587Q variant (also known as c.1760G>A) is located in coding exon 10 of the RET gene. The arginine at codon 587 is replaced by glutamine, an amino acid with highly similar properties. This change occurs in the first base pair of coding exon 10. This amino acid position is conserved. In addition, the in silico prediction for this alteration is inconclusive. Since supporting evidence is limited at this time, the clinical significance of this alteration remains unclear.